The following is an entry in ClinVar:

NM_000903.3(NQO1):c.739G>A (p.Glu247Lys)

Gene: NQO1 (NAD(P)H quinone dehydrogenase 1; minus strand). Cytogenetic location: 16q22.1.
Variant type: single nucleotide variant.
Coding change: c.739G>A on transcript NM_000903.3 (MANE Select); coding-DNA position 739, G replaced by A.
Protein change: p.Glu247Lys; replaces glutamic acid 247 with lysine.
Molecular consequence: missense variant.
Genome position (GRCh38, 1-based): chr16:69,711,062, C>T on the plus strand (G>A on the coding strand, the complement: NQO1 is on the minus strand). VCF-style: chr16-69711062-C-T. GRCh37 (hg19) VCF-style: chr16-69744965-C-T.
Other names: c.637G>A, p.Glu213Lys (NM_001025433.2); c.625G>A, p.Glu209Lys (NM_001025434.2); c.523G>A, p.Glu175Lys (NM_001286137.2); short protein forms E213K, E209K, E175K, E247K.
Identifiers: ClinVar variation 1758704 (VCV001758704.2), dbSNP rs2038031938, ClinGen allele CA396487476.

ClinVar aggregate classification (germline): Uncertain significance (1 of 4 stars; one submission).

gnomAD v4.1: 5 of 1,614,182 alleles (0.00031%); highest among the groups gnomAD compares: African/African-American, 0.0053%; no homozygotes.

Submission:

Ambry Genetics
Classification: Uncertain significance. Last evaluated: 2022-05-03. Review status: criteria provided, single submitter. Criteria: Ambry Variant Classification Scheme 2023. Collection method: clinical testing. Allele origin: germline.
Comment: The p.E247K variant (also known as c.739G>A), located in coding exon 6 of the NQO1 gene, results from a G to A substitution at nucleotide position 739. The glutamic acid at codon 247 is replaced by lysine, an amino acid with similar properties. This amino acid position is conserved. In addition, this alteration is predicted to be tolerated by in silico analysis. Since supporting evidence is limited at this time, the clinical significance of this alteration remains unclear.